The following is an entry in ClinVar:

NM_001367624.2(ZNF469):c.-2C>T

Gene: ZNF469 (zinc finger protein 469; plus strand). Cytogenetic location: 16q24.2.
Variant type: single nucleotide variant.
Coding change: c.-2C>T on transcript NM_001367624.2 (MANE Select); 2 bases upstream of the start codon, C replaced by T.
Molecular consequence: 5 prime UTR variant.
Genome position (GRCh38, 1-based): chr16:88,427,469, C>T. VCF-style: chr16-88427469-C-T. GRCh37 (hg19) VCF-style: chr16-88493877-C-T.
Other names: NM_001127464.1:c.-2C>T.
Identifiers: ClinVar variation 1012873 (VCV001012873.43), dbSNP rs1048563743, ClinGen allele CA286371170.

ClinVar aggregate classification (germline): Conflicting classifications of pathogenicity. Review status: criteria provided, conflicting classifications (1 of 4 stars). 4 submissions from 4 submitters: Uncertain significance (3); Likely benign (1). Last evaluated 2024-06-10.

Conditions:
Cardiovascular phenotype. Identifiers: MedGen CN230736.

Allele frequency attached by ClinVar (database versions not stated): gnomAD exomes 0.00002; gnomAD 0.00003 and 0.00004; TOPMed 0.00006; 1000 Genomes Project 30x 0.00016.
gnomAD v4.1: 37 of 1,506,396 alleles (0.0025%); highest among the groups gnomAD compares: East Asian, 0.04%; no homozygotes.

Submissions (4):

GeneDx
Classification: Uncertain significance. Last evaluated: 2024-06-10. Review status: criteria provided, single submitter. Criteria: GeneDx Variant Classification Process June 2021. Collection method: clinical testing. Allele origin: germline. Affected: yes.
Comment: Nucleotide substitution has no predicted effect on splicing and is not conserved across species; Has not been previously published as pathogenic or benign to our knowledge; Alters the Kozak sequence, which plays a major role in the initiation of translation

Blueprint Genetics
Classification: Likely benign. Last evaluated: 2022-06-15. Review status: criteria provided, single submitter. Criteria: ACMG Guidelines, 2015. Collection method: clinical testing. Allele origin: germline.

CeGaT Center for Human Genetics Tuebingen
Classification: Uncertain significance. Last evaluated: 2020-10-01. Review status: criteria provided, single submitter. Criteria: CeGaT Center For Human Genetics Tuebingen Variant Classification Criteria Version 2. Collection method: clinical testing. Allele origin: germline. Affected: yes. Observed: 1 variant allele.

Ambry Genetics
Classification: Uncertain significance for Cardiovascular phenotype. Last evaluated: 2019-07-19. Review status: criteria provided, single submitter. Criteria: Ambry Variant Classification Scheme 2023. Collection method: clinical testing. Allele origin: germline.
Comment: The c.-2C>T variant is located in the 5' untranslated region (5&rsquo; UTR) of the ZNF469 gene. This variant results from a C to T substitution 2 bases upstream from the first translated codon. This nucleotide position is well conserved in available vertebrate species. Since supporting evidence is limited at this time, the clinical significance of this alteration remains unclear.